The following is an entry in ClinVar:

ClinVar aggregate classification (germline): Uncertain significance (1 of 4 stars; one submission).

Conditions:
Cornelia de Lange syndrome 1 (CDLS1). Also called: TYPUS DEGENERATIVUS AMSTELODAMENSIS; Brachmann de Lange syndrome; NIPBL-Related Cornelia de Lange Syndrome. Identifiers: Orphanet 199, MedGen C4551851, MONDO:0007387, OMIM 122470.

Allele frequency attached by ClinVar (database versions not stated): gnomAD 0.00001.

Submission:

MGZ Medical Genetics Center
Classification: Uncertain significance for Cornelia de Lange syndrome 1. Last evaluated: 2022-04-20. Review status: criteria provided, single submitter. Criteria: ACMG Guidelines, 2015. Collection method: clinical testing. Allele origin: germline. Affected: yes. Observed: 1 variant allele.
Comment: ACMG criteria applied: PM2_SUP, PP2, PP3

NM_133433.4(NIPBL):c.1469G>A (p.Arg490His)

Gene: NIPBL (NIPBL cohesin loading factor; plus strand). Cytogenetic location: 5p13.2.
Variant type: single nucleotide variant.
Coding change: c.1469G>A on transcript NM_133433.4 (MANE Select); coding-DNA position 1469, G replaced by A.
Protein change: p.Arg490His; replaces arginine 490 with histidine.
Molecular consequence: missense variant.
Genome position (GRCh38, 1-based): chr5:36,976,376, G>A. VCF-style: chr5-36976376-G-A. GRCh37 (hg19) VCF-style: chr5-36976478-G-A.
Other names: c.1469G>A, p.Arg490His (NM_015384.5); short protein forms R490H.
Identifiers: ClinVar variation 1709414 (VCV001709414.2), dbSNP rs1743454770, ClinGen allele CA359487860.